The following is an entry in ClinVar:

NM_030773.4(TUBB1):c.395del (p.Gly132fs)

Gene: TUBB1 (tubulin beta 1 class VI; plus strand). Cytogenetic location: 20q13.32.
Variant type: Deletion.
Coding change: c.395del on transcript NM_030773.4 (MANE Select); coding-DNA position 395, one base deleted (G; older notation c.395delG).
Protein change: p.Gly132fs; shifts the reading frame from glycine 132.
Molecular consequence: frameshift variant.
Genome position (GRCh38, 1-based): chr20:59,023,822, G deleted; the last of 3 consecutive G bases (chr20:59,023,820-59,023,822); deleting any one gives the same sequence. VCF-style (leftmost placement, unchanged base first): chr20-59023819-AG-A. GRCh37 (hg19) VCF-style: chr20-57598874-AG-A.
Other names: short protein forms G132fs.
Identifiers: ClinVar variation 4780406 (VCV004780406.1).

ClinVar aggregate classification (germline): Uncertain significance (1 of 4 stars; one submission).

Submission:

Labcorp Genetics (formerly Invitae), Labcorp
Classification: Uncertain significance. Last evaluated: 2026-01-19. Review status: criteria provided, single submitter. Criteria: Invitae Variant Classification Sherloc (09022015). Collection method: clinical testing. Allele origin: germline.
Comment: This sequence change creates a premature translational stop signal (p.Gly132Alafs*21) in the TUBB1 gene. While this is not anticipated to result in nonsense mediated decay, it is expected to disrupt the last 320 amino acid(s) of the TUBB1 protein. This variant is not present in population databases (gnomAD no frequency). This variant has not been reported in the literature in individuals affected with TUBB1-related conditions. Experimental studies and prediction algorithms are not available or were not evaluated, and the functional significance of this variant is currently unknown. In summary, the available evidence is currently insufficient to determine the role of this variant in disease. Therefore, it has been classified as a Variant of Uncertain Significance.